The following is an entry in ClinVar:

NM_000465.4(BARD1):c.159-14A>G

Gene: BARD1 (BRCA1 associated RING domain 1; minus strand). Cytogenetic location: 2q35.
Variant type: single nucleotide variant.
Coding change: c.159-14A>G on transcript NM_000465.4 (MANE Select); 14 bases into the intron before coding-DNA position 159, A replaced by G.
Molecular consequence: intron variant.
Genome position (GRCh38, 1-based): chr2:214,797,131, T>C on the plus strand (A>G on the coding strand, the complement: BARD1 is on the minus strand). VCF-style: chr2-214797131-T-C. GRCh37 (hg19) VCF-style: chr2-215661855-T-C.
Other names: c.158+12281A>G (NM_001282548.2); c.159-4686A>G (NM_001282543.2); c.159-14A>G (NM_001282545.2, NM_001282549.2).
Identifiers: ClinVar variation 3260427 (VCV003260427.2).

ClinVar aggregate classification (germline): Likely pathogenic (1 of 4 stars; one submission).

Conditions:
Hereditary cancer-predisposing syndrome. Also called: Hereditary Cancer Syndrome; Tumor predisposition; Hereditary neoplastic syndrome; Neoplastic Syndromes, Hereditary. Identifiers: Orphanet 140162, MedGen C0027672, MeSH D009386, MONDO:0015356.

Submission:

Ambry Genetics
Classification: Likely pathogenic for Hereditary cancer-predisposing syndrome. Last evaluated: 2025-08-28. Review status: criteria provided, single submitter. Criteria: Ambry Variant Classification Scheme 2023. Collection method: clinical testing. Allele origin: germline.
Comment: The c.159-14A>G intronic variant results from an A to G substitution 14 nucleotides upstream from coding exon 2 in the BARD1 gene. This nucleotide position is not well conserved in available vertebrate species. In silico splice site analysis predicts that this alteration will weaken the native splice acceptor site and will result in the creation or strengthening of a novel splice acceptor site. RNA studies have demonstrated that this alteration results in abnormal splicing in the set of samples tested (Ambry internal data). Based on the majority of available evidence to date, this variant is likely to be pathogenic.